The following is an entry in ClinVar:

ClinVar aggregate classification (germline): Benign. Review status: reviewed by expert panel (3 of 4 stars). 6 submissions from 4 submitters: Benign (1). 5 of the submissions do not count toward it. Last evaluated 2024-08-27.

Conditions:
Alpha-actinopathy. Also called: Actinopathy. Identifiers: MedGen CN295279, MONDO:0100084.
Actin accumulation myopathy (CMYO2A). Also called: CONGENITAL MYOPATHY 2A, TYPICAL, AUTOSOMAL DOMINANT; Myopathy, actin, congenital, with cores; Nemaline myopathy 3, with intranuclear rods; Nemaline myopathy type 3; Myopathy, actin, congenital, with excess of thin myofilaments. Identifiers: Orphanet 98904, MedGen C3711389, MONDO:0008070, OMIM 161800.
Familial restrictive cardiomyopathy (RCM). Identifiers: Orphanet 217635, MedGen C0340429, MONDO:0016340.
Congenital myopathy with fiber type disproportion. Also called: Congenital fiber-type disproportion myopathy; Congenital fiber-type disproportion. Identifiers: Orphanet 2020, MedGen C0546264, MONDO:0009711. Inheritance: all.

Allele frequency attached by ClinVar (database versions not stated): gnomAD exomes 0.56509; gnomAD 0.63204 and 0.63361; 1000 Genomes Project 0.64357; 1000 Genomes Project 30x 0.64663; TOPMed 0.65180.
gnomAD v4.1: 96,175 of 152,132 alleles (63%); highest among the groups gnomAD compares: Middle Eastern, 77%; 31,059 homozygotes.

Submissions (6):

ClinGen Congenital Myopathies Variant Curation Expert Panel, ClinGen
Classification: Benign for Alpha-actinopathy. Last evaluated: 2024-08-27. Review status: reviewed by expert panel. Criteria: ClinGen CongenMyopathy ACMG Specifications ACTA1_AD_ V2.0.0. Collection method: curation. Allele origin: germline. Inheritance: Autosomal dominant inheritance.
Comment: The NM_001100.4:c.-66C>T variant in ACTA1 is a variant which is located in the 5’-UTR. The population filtering allele frequency in gnomAD v4.1.0 is 0.7509 (31375/41396 alleles with 11881 homozygotes) in the African/African American population, which is higher than the ClinGen Congenital Myopathies VCEP threshold (≥0.0025 for AR, ≥0.00000781 for AD) for BA1, and therefore meets this criterion (BA1). The results from the in silico predictor, SpliceAI, suggest that the variant does not impact ACTA1 function and it occurs at a nucleotide that is not conserved as shown by the UCSC Browser (BP4, BP7). In summary, this variant meets the criteria to be classified as benign for alpha-actinopathy based on the ACMG/AMP criteria applied, as specified by the ClinGen Congenital Myopathies VCEP: BA1, BP4, BP7 (ClinGen Congenital Myopathies VCEP specifications version 2; 08/27/2024).

GeneDx
Classification: Benign. Last evaluated: 2018-07-03. Review status: criteria provided, single submitter. Criteria: GeneDx Variant Classification Process June 2021. Collection method: clinical testing. Allele origin: germline. Affected: yes. Not counted in ClinVar's aggregate classification.

Illumina Laboratory Services, Illumina
Classification: Benign for Congenital myopathy 4A, autosomal dominant. Last evaluated: 2018-01-13. Review status: criteria provided, single submitter. Criteria: ICSL Variant Classification Criteria 13 December 2019. Collection method: clinical testing. Allele origin: germline. Not counted in ClinVar's aggregate classification.
Comment: This variant was observed in the ICSL laboratory as part of a predisposition screen in an ostensibly healthy population. It had not been previously curated by ICSL or reported in the Human Gene Mutation Database (HGMD: prior to June 1st, 2018), and was therefore a candidate for classification through an automated scoring system. Utilizing variant allele frequency, disease prevalence and penetrance estimates, and inheritance mode, an automated score was calculated to assess if this variant is too frequent to cause the disease. Based on the score and internal cut-off values, a variant classified as benign is not then subjected to further curation. The score for this variant resulted in a classification of benign for this disease.

Illumina Laboratory Services, Illumina
Classification: Benign for Familial restrictive cardiomyopathy. Last evaluated: 2018-01-13. Review status: criteria provided, single submitter. Criteria: ICSL Variant Classification Criteria 13 December 2019. Collection method: clinical testing. Allele origin: germline. Not counted in ClinVar's aggregate classification.
Comment: the same text as in the submission from Illumina Laboratory Services, Illumina above.

Illumina Laboratory Services, Illumina
Classification: Benign for Actin accumulation myopathy. Last evaluated: 2018-01-13. Review status: criteria provided, single submitter. Criteria: ICSL Variant Classification Criteria 13 December 2019. Collection method: clinical testing. Allele origin: germline. Not counted in ClinVar's aggregate classification.
Comment: the same text as in the submission from Illumina Laboratory Services, Illumina above.

Breakthrough Genomics
Classification: Benign. Review status: criteria provided, single submitter. Criteria: ACMG Guidelines, 2015. Collection method: not provided. Allele origin: germline. Inheritance: Autosomal recessive inheritance. Affected: yes. Not counted in ClinVar's aggregate classification.

NM_001100.4(ACTA1):c.-66C>T

Genes: ACTA1 (actin alpha 1, skeletal muscle; minus strand), LOC122152321 (Sharpr-MPRA regulatory region 2214; plus strand). Cytogenetic location: 1q42.13.
Variant type: single nucleotide variant.
Coding change: c.-66C>T on transcript NM_001100.4 (MANE Select); 66 bases upstream of the start codon, C replaced by T.
Molecular consequence: 5 prime UTR variant.
Genome position (GRCh38, 1-based): chr1:229,434,057, G>A on the plus strand (C>T on the coding strand, the complement: ACTA1 is on the minus strand). VCF-style: chr1-229434057-G-A. GRCh37 (hg19) VCF-style: chr1-229569804-G-A.
Identifiers: ClinVar variation 296062 (VCV000296062.10), dbSNP rs605428, ClinGen allele CA10609269.
Genomic context (GRCh38, chr1:229,434,057, plus strand): 5'-GCCCTACCTGGGCGGGTAGCTACAACTGCTACTCTCGGCTCGGGCCCTGGTCGCCGCGGA[G>A]GGGAAGCGAGGCTTCACTTGGCGCTGTCCGCTGCGGTGGCCGCTTGTCCCTCTGCTCAGG-3'